The following is an entry in ClinVar:

NM_004933.3(CDH15):c.1588del (p.Arg530fs)

Gene: CDH15 (cadherin 15; plus strand). Cytogenetic location: 16q24.3.
Variant type: Deletion.
Coding change: c.1588del on transcript NM_004933.3 (MANE Select); coding-DNA position 1588, one base deleted (C; older notation c.1588delC).
Protein change: p.Arg530fs; shifts the reading frame from arginine 530.
Molecular consequence: frameshift variant.
Genome position (GRCh38, 1-based): chr16:89,191,867, C deleted; the last of 2 consecutive C bases (chr16:89,191,866-89,191,867); deleting either gives the same sequence. VCF-style (leftmost placement, unchanged base first): chr16-89191865-GC-G. GRCh37 (hg19) VCF-style: chr16-89258273-GC-G.
Other names: short protein forms R530fs.
Identifiers: ClinVar variation 423022 (VCV000423022.2), dbSNP rs1064796173, ClinGen allele CA16620298.
Genomic context (GRCh38, chr16:89,191,865, plus strand): 5'-ACCTGCCCCCCCACGGGGCCCCCTTCCACTTCCAGCTGAGCCCCAGGCTCCCAGAGCTCG[GC>G]CGGAACTGGAGCCTCAGCCAGGTCAACGGTGCGCTCCCCTCACCGCCGCGCTCCCCCCAT-3'

ClinVar aggregate classification (germline): Uncertain significance (1 of 4 stars; one submission).

Submission:

GeneDx
Classification: Uncertain significance. Last evaluated: 2017-01-24. Review status: criteria provided, single submitter. Criteria: GeneDx Variant Classification (06012015). Collection method: clinical testing. Allele origin: germline. Affected: yes.
Comment: The c.1588delC variant in the CDH15 gene has not been reported previously as a pathogenic variant nor as a benignvariant, to our knowledge. The c.1588delC variant causes a frameshift starting with codon Arginine 530, changes thisamino acid to a Glycine residue, and creates a premature Stop codon at position 10 of the new reading frame, denotedp.Arg530GlyfsX10. This variant is predicted to cause loss of normal protein function either through protein truncationor nonsense-mediated mRNA decay. The c.1588delC variant in approximately 5,600 individuals of European andAfrican American ancestry in the NHLBI Exome Sequencing Project, indicating it is not a common benign variant inthese populations. We interpret c.1588delC as a variant of uncertain significance